The following is an entry in ClinVar:

ClinVar aggregate classification (germline): Uncertain significance (1 of 4 stars; one submission).

Conditions:
Hereditary cancer-predisposing syndrome. Also called: Neoplastic Syndromes, Hereditary; Tumor predisposition; Hereditary Cancer Syndrome; Hereditary neoplastic syndrome. Identifiers: Orphanet 140162, MedGen C0027672, MeSH D009386, MONDO:0015356.

Submission:

Ambry Genetics
Classification: Uncertain significance for Hereditary cancer-predisposing syndrome. Last evaluated: 2024-10-19. Review status: criteria provided, single submitter. Criteria: Ambry Variant Classification Scheme 2023. Collection method: clinical testing. Allele origin: germline.
Comment: The p.V797I variant (also known as c.2389G>A) is located in coding exon 19 of the POLD1 gene. The valine at codon 797 is replaced by isoleucine, an amino acid with highly similar properties. This change occurs in the first base pair of coding exon 19. This amino acid position is conserved. In addition, this alteration is predicted to be tolerated by in silico analysis. Based on the available evidence, the clinical significance of this variant remains unclear.

NM_002691.4(POLD1):c.2389G>A (p.Val797Ile)

Gene: POLD1 (DNA polymerase delta 1, catalytic subunit; plus strand). Cytogenetic location: 19q13.33.
Variant type: single nucleotide variant.
Coding change: c.2389G>A on transcript NM_002691.4 (MANE Select); coding-DNA position 2389, G replaced by A.
Protein change: p.Val797Ile; replaces valine 797 with isoleucine.
Molecular consequence: missense variant. On other transcripts: non-coding transcript variant (1).
Genome position (GRCh38, 1-based): chr19:50,414,815, G>A. VCF-style: chr19-50414815-G-A. GRCh37 (hg19) VCF-style: chr19-50918072-G-A.
Other names: c.2389G>A, p.Val797Ile (NM_001256849.1); c.2467G>A, p.Val823Ile (NM_001308632.1); short protein forms V823I, V797I.
Identifiers: ClinVar variation 3421998 (VCV003421998.1).